The following is an entry in ClinVar:

NM_000186.4(CFH):c.3401T>G (p.Val1134Gly)

Gene: CFH (complement factor H; plus strand). Cytogenetic location: 1q31.3.
Variant type: single nucleotide variant.
Coding change: c.3401T>G on transcript NM_000186.4 (MANE Select); coding-DNA position 3401, T replaced by G.
Protein change: p.Val1134Gly; replaces valine 1134 with glycine.
Molecular consequence: missense variant.
Genome position (GRCh38, 1-based): chr1:196,745,907, T>G. VCF-style: chr1-196745907-T-G. GRCh37 (hg19) VCF-style: chr1-196715037-T-G.
Other names: short protein forms V1134G.
Identifiers: ClinVar variation 4291562 (VCV004291562.1).

ClinVar aggregate classification (germline): Uncertain significance (1 of 4 stars; one submission).

Conditions:
Atypical hemolytic-uremic syndrome. Identifiers: Orphanet 2134, MedGen C2931788, MONDO:0016244.

Submission:

Genomenon, Inc
Classification: Uncertain significance for Atypical hemolytic-uremic syndrome. Last evaluated: 2025-10-02. Review status: criteria provided, single submitter. Criteria: Genomenon Sequence Variant Interpretation Standards - Updated. Collection method: curation. Allele origin: germline. Affected: yes.
Comment: CFH p.Val1134Gly (c.3401T>G) is a missense variant that changes the amino acid at residue 1134 from Valine to Glycine. This variant has been observed in at least one proband affected with atypical hemolytic-uremic syndrome (PMID:12960213). It is absent or not present at a significant frequency in gnomAD. In silico models agree that this variant is possibly or probably damaging. In conclusion, we classify CFH p.Val1134Gly (c.3401T>G) as a variant of uncertain significance.

Literature cited by the submitters: PubMed 12960213.